The following is an entry in ClinVar:

ClinVar aggregate classification (germline): Uncertain significance (1 of 4 stars; one submission).

Conditions:
DNA ligase IV deficiency. Identifiers: Orphanet 99812, MedGen C1847827, MONDO:0011686, OMIM 606593.

Submission:

Labcorp Genetics (formerly Invitae), Labcorp
Classification: Uncertain significance for DNA ligase IV deficiency. Last evaluated: 2022-04-07. Review status: criteria provided, single submitter. Criteria: Invitae Variant Classification Sherloc (09022015). Collection method: clinical testing. Allele origin: germline.
Comment: Algorithms developed to predict the effect of missense changes on protein structure and function output the following: SIFT: "Tolerated"; PolyPhen-2: "Benign"; Align-GVGD: "Class C0". The asparagine amino acid residue is found in multiple mammalian species, which suggests that this missense change does not adversely affect protein function. This variant has not been reported in the literature in individuals affected with LIG4-related conditions. This variant is not present in population databases (gnomAD no frequency). This sequence change replaces serine, which is neutral and polar, with asparagine, which is neutral and polar, at codon 456 of the LIG4 protein (p.Ser456Asn). In summary, the available evidence is currently insufficient to determine the role of this variant in disease. Therefore, it has been classified as a Variant of Uncertain Significance.

NM_206937.2(LIG4):c.1367G>A (p.Ser456Asn)

Gene: LIG4 (DNA ligase 4; minus strand). Cytogenetic location: 13q33.3.
Variant type: single nucleotide variant.
Coding change: c.1367G>A on transcript NM_206937.2 (MANE Select); coding-DNA position 1367, G replaced by A.
Protein change: p.Ser456Asn; replaces serine 456 with asparagine.
Molecular consequence: missense variant.
Genome position (GRCh38, 1-based): chr13:108,209,902, C>T on the plus strand (G>A on the coding strand, the complement: LIG4 is on the minus strand). VCF-style: chr13-108209902-C-T. GRCh37 (hg19) VCF-style: chr13-108862250-C-T.
Other names: c.1367G>A, p.Ser456Asn (NM_001098268.2, NM_001352598.2, NM_001352599.2 and 6 more transcripts); c.1166G>A, p.Ser389Asn (NM_001330595.2); c.1403G>A, p.Ser468Asn (NM_001352604.2); short protein forms S389N, S468N, S456N.
Identifiers: ClinVar variation 2122743 (VCV002122743.4), dbSNP rs2501602374, ClinGen allele CA388617604.